The following is an entry in ClinVar:

NM_020987.5(ANK3):c.4074+4C>A

Gene: ANK3 (ankyrin 3; minus strand). Cytogenetic location: 10q21.2.
Variant type: single nucleotide variant.
Coding change: c.4074+4C>A on transcript NM_020987.5 (MANE Select); 4 bases into the intron after coding-DNA position 4074, C replaced by A.
Molecular consequence: intron variant.
Genome position (GRCh38, 1-based): chr10:60,084,598, G>T on the plus strand (C>A on the coding strand, the complement: ANK3 is on the minus strand). VCF-style: chr10-60084598-G-T. GRCh37 (hg19) VCF-style: chr10-61844356-G-T.
Other names: c.4056+4C>A (NM_001204403.2); c.4077+4C>A (NM_001204404.2); c.4074+4C>A (NM_001320874.2); c.1476+4C>A (NM_001149.4).
Identifiers: ClinVar variation 4781529 (VCV004781529.1).

ClinVar aggregate classification (germline): Uncertain significance (1 of 4 stars; one submission).

gnomAD v4.1: 7 of 1,611,248 alleles (0.00043%); highest among the groups gnomAD compares: African/African-American, 0.0013%; no homozygotes.

Submission:

Labcorp Genetics (formerly Invitae), Labcorp
Classification: Uncertain significance. Last evaluated: 2025-02-14. Review status: criteria provided, single submitter. Criteria: Invitae Variant Classification Sherloc (09022015). Collection method: clinical testing. Allele origin: germline.
Comment: This sequence change falls in intron 32 of the ANK3 gene. It does not directly change the encoded amino acid sequence of the ANK3 protein. It affects a nucleotide within the consensus splice site. This variant is present in population databases (rs762452752, gnomAD 0.0009%). This variant has not been reported in the literature in individuals affected with ANK3-related conditions. Variants that disrupt the consensus splice site are a relatively common cause of aberrant splicing (PMID: 17576681, 9536098). Algorithms developed to predict the effect of sequence changes on RNA splicing suggest that this variant is not likely to affect RNA splicing. In summary, the available evidence is currently insufficient to determine the role of this variant in disease. Therefore, it has been classified as a Variant of Uncertain Significance.

Literature cited by the submitters: PubMed 17576681; PubMed 9536098.